The following is an entry in ClinVar:

ClinVar aggregate classification (germline): Uncertain significance (1 of 4 stars; one submission).

Allele frequency attached by ClinVar (database versions not stated): gnomAD 0.00001.

Submission:

Labcorp Genetics (formerly Invitae), Labcorp
Classification: Uncertain significance. Last evaluated: 2023-02-21. Review status: criteria provided, single submitter. Criteria: Invitae Variant Classification Sherloc (09022015). Collection method: clinical testing. Allele origin: germline.
Comment: This sequence change replaces glutamine, which is neutral and polar, with arginine, which is basic and polar, at codon 138 of the SLC25A21 protein (p.Gln138Arg). The frequency data for this variant in the population databases is considered unreliable, as metrics indicate poor data quality at this position in the gnomAD database. This variant has not been reported in the literature in individuals affected with SLC25A21-related conditions. Advanced modeling of protein sequence and biophysical properties (such as structural, functional, and spatial information, amino acid conservation, physicochemical variation, residue mobility, and thermodynamic stability) performed at Invitae indicates that this missense variant is expected to disrupt SLC25A21 protein function. In summary, the available evidence is currently insufficient to determine the role of this variant in disease. Therefore, it has been classified as a Variant of Uncertain Significance.

NM_030631.4(SLC25A21):c.413A>G (p.Gln138Arg)

Gene: SLC25A21 (solute carrier family 25 member 21; minus strand). Cytogenetic location: 14q13.3.
Variant type: single nucleotide variant.
Coding change: c.413A>G on transcript NM_030631.4 (MANE Select); coding-DNA position 413, A replaced by G.
Protein change: p.Gln138Arg; replaces glutamine 138 with arginine.
Molecular consequence: missense variant.
Genome position (GRCh38, 1-based): chr14:36,725,595, T>C on the plus strand (A>G on the coding strand, the complement: SLC25A21 is on the minus strand). VCF-style: chr14-36725595-T-C. GRCh37 (hg19) VCF-style: chr14-37194800-T-C.
Other names: c.413A>G, p.Gln138Arg (NM_001171170.2); short protein forms Q138R.
Identifiers: ClinVar variation 1952381 (VCV001952381.5), dbSNP rs907296927, ClinGen allele CA258914239.